The following is an entry in ClinVar:

ClinVar aggregate classification (germline): Pathogenic/Likely pathogenic. Review status: criteria provided, multiple submitters, no conflicts (2 of 4 stars). 2 submissions from 2 submitters: Pathogenic (1); Likely pathogenic (1). Last evaluated 2025-03-02.

Conditions:
Aromatase deficiency. Also called: Increased aromatase activity; PSEUDOHERMAPHRODITISM, FEMALE, DUE TO PLACENTAL AROMATASE DEFICIENCY. Identifiers: Orphanet 91, MedGen C1960539, MONDO:0013301, OMIM 613546.

Submissions (2):

Natera, Inc.
Classification: Likely pathogenic for Aromatase deficiency. Last evaluated: 2025-03-02. Review status: criteria provided, single submitter. Criteria: Natera Variant Classification Schema (03/2026). Collection method: clinical testing. Allele origin: germline.
Comment: The c.367C>T variant in CYP19A1 is a nonsense variant predicted to introduce a stop codon at amino acid 123. This variant is expected to result in nonsense mediated decay, truncation, or a dysfunctional protein product. This variant is rare in the general population with a frequency below the threshold expected for the associated phenotype(s). Given the available evidence, this variant is classified as Likely Pathogenic.

3billion
Classification: Pathogenic for Aromatase deficiency. Last evaluated: 2023-10-27. Review status: criteria provided, single submitter. Criteria: ACMG Guidelines, 2015. Collection method: clinical testing. Allele origin: germline. Affected: yes.
Comment: The variant is observed at an extremely low frequency in the gnomAD v2.1.1 dataset (total allele frequency: <0.001%). Predicted Consequence/Location: Stop-gained (nonsense): predicted to result in a loss or disruption of normal protein function through nonsense-mediated decay (NMD) or protein truncation. Multiple pathogenic variants are reported downstream of the variant. Therefore, this variant is classified as Pathogenic according to the recommendation of ACMG/AMP guideline.

NM_000103.4(CYP19A1):c.367C>T (p.Gln123Ter)

Genes: MIR4713HG (MIR4713 host gene; plus strand), PIRC66 (piwi-interacting RNA cluster 66; plus strand), CYP19A1 (cytochrome P450 family 19 subfamily A member 1; minus strand). Cytogenetic location: 15q21.2.
Variant type: single nucleotide variant.
Coding change: c.367C>T on transcript NM_000103.4 (MANE Select); coding-DNA position 367, C replaced by T.
Protein change: p.Gln123Ter; replaces glutamine 123 with a stop codon.
Molecular consequence: nonsense.
Genome position (GRCh38, 1-based): chr15:51,227,863, G>A on the plus strand (C>T on the coding strand, the complement: CYP19A1 is on the minus strand). VCF-style: chr15-51227863-G-A. GRCh37 (hg19) VCF-style: chr15-51520060-G-A.
Other names: c.367C>T, p.Gln123Ter (NM_001347248.1, NM_001347249.2, NM_001347250.2 and 7 more transcripts); c.367C>T (NM_031226.2); short protein forms Q123*.
Identifiers: ClinVar variation 3776041 (VCV003776041.3).
Genomic context (GRCh38, chr15:51,227,863, plus strand): 5'-TTTTCCAGAGCTCTGGATTGTTGTTAAATATGATGCCTTTCTCATGCATACCGATGCACT[G>A]CAGCCCAAGTTTGCTGCCGAATCGAGAGCTGTAATGATTGTGCTTCATTATGTGGAACAT-3'